The following is an entry in ClinVar:

NM_001134831.2(AHI1):c.3065dup (p.Thr1023fs)

Gene: AHI1 (Abelson helper integration site 1; minus strand). Cytogenetic location: 6q23.3.
Variant type: Duplication.
Coding change: c.3065dup on transcript NM_001134831.2 (MANE Select); coding-DNA position 3065, one base duplicated (T; older notation c.3065dupT).
Protein change: p.Thr1023fs; shifts the reading frame from threonine 1023.
Molecular consequence: frameshift variant.
Genome position (GRCh38, 1-based): chr6:135,394,820, A duplicated on the plus strand (T on the coding strand, the reverse complement: AHI1 is on the minus strand). VCF-style (leftmost placement, unchanged base first): chr6-135394819-C-CA. GRCh37 (hg19) VCF-style: chr6-135715957-C-CA.
Other names: c.3065dup, p.Thr1023fs (NM_001134830.2, NM_001134832.2, NM_001350503.2 and 2 more transcripts); short protein forms T1023fs.
Identifiers: ClinVar variation 1902057 (VCV001902057.5), dbSNP rs2484035743, ClinGen allele CA2578748261.

ClinVar aggregate classification (germline): Pathogenic (1 of 4 stars; one submission).

Conditions:
Joubert syndrome. Also called: CEREBELLOPARENCHYMAL DISORDER IV; JOUBERT-BOLTSHAUSER SYNDROME; Familial aplasia of the vermis. Identifiers: Orphanet 475, MedGen C5979921, MONDO:0018772.

Allele frequency attached by ClinVar (database versions not stated): gnomAD exomes below 0.00001.

Submission:

Labcorp Genetics (formerly Invitae), Labcorp
Classification: Pathogenic for Joubert syndrome. Last evaluated: 2024-12-02. Review status: criteria provided, single submitter. Criteria: Invitae Variant Classification Sherloc (09022015). Collection method: clinical testing. Allele origin: germline.
Comment: This sequence change creates a premature translational stop signal (p.Thr1023Aspfs*25) in the AHI1 gene. It is expected to result in an absent or disrupted protein product. Loss-of-function variants in AHI1 are known to be pathogenic (PMID: 15322546, 16453322, 28442542, 29186038). This variant is not present in population databases (gnomAD no frequency). This variant has not been reported in the literature in individuals affected with AHI1-related conditions. ClinVar contains an entry for this variant (Variation ID: 1902057). For these reasons, this variant has been classified as Pathogenic.

Literature cited by the submitters: PubMed 15322546; PubMed 16453322; PubMed 28442542; PubMed 29186038.